The following is an entry in ClinVar:

ClinVar aggregate classification (germline): Uncertain significance. Review status: criteria provided, multiple submitters, no conflicts (2 of 4 stars). 2 submissions from 2 submitters: Uncertain significance (2). Last evaluated 2026-06-09.

Conditions:
Hereditary cancer-predisposing syndrome. Also called: Tumor predisposition; Hereditary Cancer Syndrome; Neoplastic Syndromes, Hereditary; Hereditary neoplastic syndrome. Identifiers: Orphanet 140162, MedGen C0027672, MeSH D009386, MONDO:0015356.
Bloom syndrome (BLM). Also called: Bloom-Torre-Machacek syndrome. Identifiers: Orphanet 125, MedGen C0005859, MONDO:0008876, OMIM 210900.

Submissions (2):

Ambry Genetics
Classification: Uncertain significance for Hereditary cancer-predisposing syndrome. Last evaluated: 2026-06-09. Review status: criteria provided, single submitter. Criteria: Ambry Variant Classification Scheme 2023. Collection method: clinical testing. Allele origin: germline.
Comment: The p.L1145P variant (also known as c.3434T>C), located in coding exon 17 of the BLM gene, results from a T to C substitution at nucleotide position 3434. The leucine at codon 1145 is replaced by proline, an amino acid with similar properties. This amino acid position is conserved. In addition, this alteration is predicted to be deleterious by in silico analysis. Based on the available evidence, the clinical significance of this variant remains unclear.

Labcorp Genetics (formerly Invitae), Labcorp
Classification: Uncertain significance for Bloom syndrome. Last evaluated: 2018-08-15. Review status: criteria provided, single submitter. Criteria: Invitae Variant Classification Sherloc (09022015). Collection method: clinical testing. Allele origin: germline.
Comment: This sequence change replaces leucine with proline at codon 1145 of the BLM protein (p.Leu1145Pro). The leucine residue is highly conserved and there is a moderate physicochemical difference between leucine and proline. This variant is not present in population databases (ExAC no frequency). This variant has not been reported in the literature in individuals with BLM-related disease. Algorithms developed to predict the effect of missense changes on protein structure and function (SIFT, PolyPhen-2, Align-GVGD) all suggest that this variant is likely to be disruptive, but these predictions have not been confirmed by published functional studies and their clinical significance is uncertain. In summary, the available evidence is currently insufficient to determine the role of this variant in disease. Therefore, it has been classified as a Variant of Uncertain Significance.

NM_000057.4(BLM):c.3434T>C (p.Leu1145Pro)

Gene: BLM (BLM RecQ like helicase; plus strand). Cytogenetic location: 15q26.1.
Variant type: single nucleotide variant.
Coding change: c.3434T>C on transcript NM_000057.4 (MANE Select); coding-DNA position 3434, T replaced by C.
Protein change: p.Leu1145Pro; replaces leucine 1145 with proline.
Molecular consequence: missense variant. On other transcripts: intron variant (1).
Genome position (GRCh38, 1-based): chr15:90,803,596, T>C. VCF-style: chr15-90803596-T-C. GRCh37 (hg19) VCF-style: chr15-91346826-T-C.
Other names: c.3434T>C, p.Leu1145Pro (NM_001287246.2); c.2309T>C, p.Leu770Pro (NM_001287248.2); c.3358+5259T>C (NM_001287247.2); c.3434T>C (NM_000057.2); short protein forms L770P, L1145P.
Identifiers: ClinVar variation 645713 (VCV000645713.10), dbSNP rs1596267524, ClinGen allele CA393847585.